The following is an entry in ClinVar:

ClinVar aggregate classification (germline): Benign (1 of 4 stars; one submission).

Conditions:
Dermatofibrosis lenticularis disseminata (BOS). Also called: DERMATOFIBROSIS LENTICULARIS DISSEMINATA WITH OSTEOPOIKILOSIS; DERMATOOSTEOPOIKILOSIS; OSTEOPATHIA CONDENSANS DISSEMINATA. Identifiers: Orphanet 1306, MedGen C0265514, MONDO:0008157, OMIM 166700.

Allele frequency attached by ClinVar (database versions not stated): gnomAD 0.01279 and 0.01545; TOPMed 0.01544; gnomAD exomes 0.01923; 1000 Genomes Project 30x 0.04466; 1000 Genomes Project 0.04792.
gnomAD v4.1: 2,333 of 152,342 alleles (1.5%); highest among the groups gnomAD compares: East Asian, 17%; 89 homozygotes.

Submission:

Illumina Laboratory Services, Illumina
Classification: Benign for Dermatofibrosis lenticularis disseminata. Last evaluated: 2018-01-13. Review status: criteria provided, single submitter. Criteria: ICSL Variant Classification Criteria 13 December 2019. Collection method: clinical testing. Allele origin: germline.
Comment: This variant was observed in the ICSL laboratory as part of a predisposition screen in an ostensibly healthy population. It had not been previously curated by ICSL or reported in the Human Gene Mutation Database (HGMD: prior to June 1st, 2018), and was therefore a candidate for classification through an automated scoring system. Utilizing variant allele frequency, disease prevalence and penetrance estimates, and inheritance mode, an automated score was calculated to assess if this variant is too frequent to cause the disease. Based on the score and internal cut-off values, a variant classified as benign is not then subjected to further curation. The score for this variant resulted in a classification of benign for this disease.

NM_014319.5(LEMD3):c.*1156G>A

Gene: LEMD3 (LEM domain containing 3; plus strand). Cytogenetic location: 12q14.3.
Variant type: single nucleotide variant.
Coding change: c.*1156G>A on transcript NM_014319.5 (MANE Select); 1156 bases downstream of the stop codon, G replaced by A.
Molecular consequence: 3 prime UTR variant.
Genome position (GRCh38, 1-based): chr12:65,247,481, G>A. VCF-style: chr12-65247481-G-A. GRCh37 (hg19) VCF-style: chr12-65641261-G-A.
Other names: c.*1156G>A (NM_001167614.2).
Identifiers: ClinVar variation 310255 (VCV000310255.5), dbSNP rs11175698, ClinGen allele CA10642345.